The following is an entry in ClinVar:

ClinVar aggregate classification (germline): Likely pathogenic. Review status: criteria provided, single submitter (1 of 4 stars). 3 submissions from 3 submitters: Likely pathogenic (1). 2 of the submissions do not count toward it. Last evaluated 2025-10-06.

Conditions:
Myofibrillar myopathy 5. Also called: Filaminopathy (type); FILAMINOPATHY, AUTOSOMAL DOMINANT. Identifiers: Orphanet 171445, MedGen C1836050, MONDO:0012289, OMIM 609524.
Distal myopathy with posterior leg and anterior hand involvement. Also called: WILLIAMS DISTAL MYOPATHY. Identifiers: Orphanet 63273, MedGen C3279722, MONDO:0013550, OMIM 614065.
Hypertrophic cardiomyopathy 26. Also called: Cardiomyopathy, familial hypertrophic, 26. Identifiers: Orphanet 75249, MedGen C4310749, MONDO:0014883, OMIM 617047.

Submissions (3):

Labcorp Genetics (formerly Invitae), Labcorp
Classification: Likely pathogenic for Distal myopathy with posterior leg and anterior hand involvement; Myofibrillar myopathy 5; Hypertrophic cardiomyopathy 26. Last evaluated: 2025-10-06. Review status: criteria provided, single submitter. Criteria: Invitae Variant Classification Sherloc (09022015). Collection method: clinical testing. Allele origin: germline.
Comment: This sequence change affects a donor splice site in intron 25 of the FLNC gene. It is expected to disrupt RNA splicing. Variants that disrupt the donor or acceptor splice site typically lead to a loss of protein function (PMID: 16199547), and loss-of-function variants in FLNC are known to be pathogenic (PMID: 27908349). This variant is not present in population databases (gnomAD no frequency). This variant has not been reported in the literature in individuals affected with FLNC-related conditions. ClinVar contains an entry for this variant (Variation ID: 1285115). Algorithms developed to predict the effect of sequence changes on RNA splicing suggest that this variant may disrupt the consensus splice site. In summary, the currently available evidence indicates that the variant is pathogenic, but additional data are needed to prove that conclusively. Therefore, this variant has been classified as Likely Pathogenic.

Diagnostic Laboratory, Department of Genetics, University Medical Center Groningen
Classification: Likely pathogenic. Review status: no assertion criteria provided. Collection method: clinical testing. Allele origin: germline. Affected: yes. Study: VKGL Data-share Consensus. Not counted in ClinVar's aggregate classification.

Genome Diagnostics Laboratory, University Medical Center Utrecht
Classification: Pathogenic. Review status: no assertion criteria provided. Collection method: clinical testing. Allele origin: germline. Affected: yes. Study: VKGL Data-share Consensus. Not counted in ClinVar's aggregate classification.

Literature cited by the submitters: PubMed 16199547 (cited by Labcorp Genetics (formerly Invitae), Labcorp); PubMed 27908349 (cited by Labcorp Genetics (formerly Invitae), Labcorp).

NM_001458.5(FLNC):c.4456+1G>A

Gene: FLNC (filamin C; plus strand). Cytogenetic location: 7q32.1.
Variant type: single nucleotide variant.
Coding change: c.4456+1G>A on transcript NM_001458.5 (MANE Select); the canonical splice donor site of the intron after coding-DNA position 4456, G replaced by A.
Molecular consequence: splice donor variant.
Genome position (GRCh38, 1-based): chr7:128,847,865, G>A. VCF-style: chr7-128847865-G-A. GRCh37 (hg19) VCF-style: chr7-128487919-G-A.
Other names: c.4456+1G>A (NM_001127487.2).
Identifiers: ClinVar variation 1285115 (VCV001285115.3), dbSNP rs1318885805, ClinGen allele CA369201721.